The following is an entry in ClinVar:

NM_015340.4(LARS2):c.858G>T (p.Lys286Asn)

Gene: LARS2 (leucyl-tRNA synthetase 2, mitochondrial; plus strand). Cytogenetic location: 3p21.31.
Variant type: single nucleotide variant.
Coding change: c.858G>T on transcript NM_015340.4 (MANE Select); coding-DNA position 858, G replaced by T.
Protein change: p.Lys286Asn; replaces lysine 286 with asparagine.
Molecular consequence: missense variant.
Genome position (GRCh38, 1-based): chr3:45,474,350, G>T. VCF-style: chr3-45474350-G-T. GRCh37 (hg19) VCF-style: chr3-45515842-G-T.
Other names: c.858G>T, p.Lys286Asn (NM_001368263.1); short protein forms K286N.
Identifiers: ClinVar variation 2282304 (VCV002282304.3), dbSNP rs2528968877, ClinGen allele CA352423391.
Genomic context (GRCh38, chr3:45,474,350, plus strand): 5'-AGGCATGCAAGCCCACTGGATTGGGGACTGTGTGGGCTGCCACCTGGACTTCACATTAAA[G>T]GTGATTAAGTAATAGCAGCTCCAGCAATTCATGATCACAAATCTCCTCTACATTTGGGAC-3'
Protein context (NP_056155.1, residues 276-296): CVGCHLDFTL[Lys286Asn]VHGQATGEKL

ClinVar aggregate classification (germline): Uncertain significance. Review status: criteria provided, multiple submitters, no conflicts (2 of 4 stars). 2 submissions from 2 submitters: Uncertain significance (2). Last evaluated 2024-12-17.

Conditions:
Inborn genetic diseases. Identifiers: MedGen C0950123, MeSH D030342.

Submissions (2):

GeneDx
Classification: Uncertain significance. Last evaluated: 2024-12-17. Review status: criteria provided, single submitter. Criteria: GeneDx Variant Classification Process June 2021. Collection method: clinical testing. Allele origin: germline. Affected: yes.
Comment: Not observed at significant frequency in large population cohorts (gnomAD); Alters the last nucleotide of the exon in a gene for which loss of function is a known mechanism of disease, and both splice predictors and evolutionary conservation support a deleterious effect, although in the absence of functional evidence the actual effect of this sequence change is unknown; Has not been previously published as pathogenic or benign to our knowledge

Ambry Genetics
Classification: Uncertain significance for Inborn genetic diseases. Last evaluated: 2022-05-09. Review status: criteria provided, single submitter. Criteria: Ambry Variant Classification Scheme 2023. Collection method: clinical testing. Allele origin: germline.
Comment: Occurs in the last base pair of the exon Based on insufficient or conflicting evidence, the clinical significance of this alteration remains unclear.